The following is an entry in ClinVar:

NM_007118.4(TRIO):c.7050del (p.Val2351fs)

Gene: TRIO (trio Rho guanine nucleotide exchange factor; plus strand). Cytogenetic location: 5p15.2.
Variant type: Deletion.
Coding change: c.7050del on transcript NM_007118.4 (MANE Select); coding-DNA position 7050, one base deleted (C; older notation c.7050delC).
Protein change: p.Val2351fs; shifts the reading frame from valine 2351.
Molecular consequence: frameshift variant. On other transcripts: non-coding transcript variant (1).
Genome position (GRCh38, 1-based): chr5:14,487,678, C deleted; the last of 7 consecutive C bases (chr5:14,487,672-14,487,678); deleting any one gives the same sequence. VCF-style (leftmost placement, unchanged base first): chr5-14487671-AC-A. GRCh37 (hg19) VCF-style: chr5-14487780-AC-A.
Other names: c.7050delC (NM_007118.2); c.7050del (NM_007118.2); short protein forms V2351fs.
Identifiers: ClinVar variation 1709067 (VCV001709067.7), dbSNP rs746654944, ClinGen allele CA3207314.

ClinVar aggregate classification (germline): Pathogenic/Likely pathogenic. Review status: criteria provided, multiple submitters, no conflicts (2 of 4 stars). 5 submissions from 5 submitters: Pathogenic (2); Likely pathogenic (3). Last evaluated 2025-11-07.

Conditions:
Inborn genetic diseases. Identifiers: MedGen C0950123, MeSH D030342.
Autosomal dominant TRIO-related disorders.
Intellectual developmental disorder, autosomal dominant 63, with macrocephaly. Also called: MENTAL RETARDATION, AUTOSOMAL DOMINANT 63, WITH MACROCEPHALY. Identifiers: MedGen C5394205, MONDO:0032939, OMIM 618825.

Submissions (5):

Variantyx, Inc.
Classification: Likely pathogenic for Autosomal dominant TRIO-related disorders. Last evaluated: 2025-11-07. Review status: criteria provided, single submitter. Criteria: Variantyx Assertion Criteria 2022. Collection method: clinical testing. Allele origin: de novo. Inheritance: Autosomal dominant inheritance. Affected: yes.
Comment: This is a frameshift variant in the TRIO gene (OMIM: 601893). Pathogenic variants in this gene have been associated with autosomal dominant TRIO-related disorders. This variant introduces a premature termination codon in exon 48 out of 57 and is expected to result in loss of function, which is a known disease mechanism for TRIO in this disorder (PMID: 26721934) (PVS1). Based on the current evidence, this variant is classified as likely pathogenic for autosomal dominant TRIO-related disorders.

Ambry Genetics
Classification: Pathogenic for Inborn genetic diseases. Last evaluated: 2025-02-07. Review status: criteria provided, single submitter. Criteria: Ambry Variant Classification Scheme 2023. Collection method: clinical testing. Allele origin: germline.
Comment: The c.7050delC (p.V2351Cfs*62) alteration, located in exon 48 (coding exon 48) of the TRIO gene, consists of a deletion of one nucleotide at position 7050, causing a translational frameshift with a predicted alternate stop codon after 62 amino acids. This alteration is expected to result in loss of function by premature protein truncation or nonsense-mediated mRNA decay. for TRIO-related neurodevelopmental disorder with microcephaly; however, it is unlikely to be causative of TRIO-related neurodevelopmental disorder with macrocephaly. The TRIO c.7050delC alteration was flagged as a low confidence call in the Genome Aggregation Database (gnomAD). Based on the available evidence, this alteration is classified as pathogenic.

GeneDx
Classification: Pathogenic. Last evaluated: 2023-11-30. Review status: criteria provided, single submitter. Criteria: GeneDx Variant Classification Process June 2021. Collection method: clinical testing. Allele origin: germline. Affected: yes.
Comment: Frameshift variant predicted to result in protein truncation or nonsense mediated decay in a gene for which loss-of-function is a known mechanism of disease; This variant is associated with the following publications: (PMID: 32109419)

MGZ Medical Genetics Center
Classification: Likely pathogenic for Intellectual developmental disorder, autosomal dominant 63, with macrocephaly. Last evaluated: 2022-04-19. Review status: criteria provided, single submitter. Criteria: ACMG Guidelines, 2015. Collection method: clinical testing. Allele origin: germline. Affected: yes. Observed: 1 variant allele.
Comment: ACMG criteria applied: PS2, PVS1_MOD

Revvity Omics, Revvity
Classification: Likely pathogenic. Last evaluated: 2022-02-15. Review status: criteria provided, single submitter. Criteria: ACMG Guidelines, 2015. Collection method: clinical testing. Allele origin: germline.

Literature cited by the submitters: PubMed 32109419 (cited by Variantyx, Inc.); PubMed 26721934 (cited by Variantyx, Inc.).